The following is an entry in ClinVar:

ClinVar aggregate classification (germline): Uncertain significance (0 of 4 stars; one submission).

Conditions:
GPBAR1-related disorder. Also called: GPBAR1-related condition.

Allele frequency attached by ClinVar (database versions not stated): TOPMed 0.00002; gnomAD 0.00003; ExAC 0.00005.

Submission:

PreventionGenetics, part of Exact Sciences
Classification: Uncertain significance for GPBAR1-related condition. Last evaluated: 2023-12-15. Review status: no assertion criteria provided. Collection method: clinical testing. Allele origin: germline.
Comment: The GPBAR1 c.760C>T variant is predicted to result in the amino acid substitution p.Arg254Cys. To our knowledge, this variant has not been reported in the literature. This variant is reported in 0.031% of alleles in individuals of South Asian descent in gnomAD. At this time, the clinical significance of this variant is uncertain due to the absence of conclusive functional and genetic evidence.

NM_170699.3(GPBAR1):c.760C>T (p.Arg254Cys)

Gene: GPBAR1 (G protein-coupled bile acid receptor 1; plus strand). Cytogenetic location: 2q35.
Variant type: single nucleotide variant.
Coding change: c.760C>T on transcript NM_170699.3 (MANE Select); coding-DNA position 760, C replaced by T.
Protein change: p.Arg254Cys; replaces arginine 254 with cysteine.
Molecular consequence: missense variant.
Genome position (GRCh38, 1-based): chr2:218,263,484, C>T. VCF-style: chr2-218263484-C-T. GRCh37 (hg19) VCF-style: chr2-219128207-C-T.
Other names: c.760C>T, p.Arg254Cys (NM_001077191.2, NM_001077194.2, NM_001321950.2); short protein forms R254C.
Identifiers: ClinVar variation 3051374 (VCV003051374.2), dbSNP rs201586913, ClinGen allele CA2102674.
Genomic context (GRCh38, chr2:218,263,484, plus strand): 5'-GGGCTGTGCTGGGGGCCCTACGTGGCCACACTGCTCCTCTCAGTCCTGGCCTATGAGCAG[C>T]GCCCGCCACTGGGGCCTGGGACACTGTTGTCCCTCCTCTCCCTAGGAAGTGCCAGTGCAG-3'
Protein context (NP_733800.1, residues 244-264): LLLSVLAYEQ[Arg254Cys]PPLGPGTLLS